The following is an entry in ClinVar:

ClinVar aggregate classification (germline): Conflicting classifications of pathogenicity. Review status: criteria provided, conflicting classifications (1 of 4 stars). 6 submissions from 6 submitters: Uncertain significance (5); Likely benign (1). Last evaluated 2026-01-01.

Conditions:
Lynch syndrome. Identifiers: Orphanet 144, MedGen C4552100, MONDO:0005835. Disease mechanism: loss of function.
Lynch syndrome 4 (LYNCH4). Also called: Colorectal cancer, hereditary nonpolyposis, type 4; Hereditary non-polyposis colorectal cancer, type 4. Identifiers: Orphanet 144, MedGen C1838333, MONDO:0013699, OMIM 614337. Disease mechanism: loss of function.
Hereditary nonpolyposis colorectal neoplasms. Identifiers: MedGen C0009405, MeSH D003123.
Hereditary cancer-predisposing syndrome. Also called: Neoplastic Syndromes, Hereditary; Tumor predisposition; Hereditary Cancer Syndrome; Hereditary neoplastic syndrome. Identifiers: Orphanet 140162, MedGen C0027672, MeSH D009386, MONDO:0015356.

Allele frequency attached by ClinVar (database versions not stated): TOPMed 0.00002; 1000 Genomes Project 30x 0.00016; 1000 Genomes Project 0.00020.
gnomAD v4.1: 7 of 1,614,136 alleles (0.00043%); highest among the groups gnomAD compares: East Asian, 0.011%; no homozygotes.

Submissions (6):

Labcorp Genetics (formerly Invitae), Labcorp
Classification: Uncertain significance for Hereditary nonpolyposis colorectal neoplasms. Last evaluated: 2026-01-01. Review status: criteria provided, single submitter. Criteria: Invitae Variant Classification Sherloc (09022015). Collection method: clinical testing. Allele origin: germline.
Comment: This sequence change replaces glycine, which is neutral and non-polar, with arginine, which is basic and polar, at codon 452 of the PMS2 protein (p.Gly452Arg). This variant is present in population databases (rs569947936, gnomAD 0.02%). This missense change has been observed in individual(s) with breast cancer (PMID: 35449176). ClinVar contains an entry for this variant (Variation ID: 230651). Invitae Evidence Modeling incorporating data from in vitro experimental studies (internal data) indicates that this missense variant is not expected to disrupt PMS2 function with a negative predictive value of 95%. In summary, the available evidence is currently insufficient to determine the role of this variant in disease. Therefore, it has been classified as a Variant of Uncertain Significance.

Color Diagnostics, LLC DBA Color Health
Classification: Uncertain significance for Hereditary cancer-predisposing syndrome. Last evaluated: 2025-05-13. Review status: criteria provided, single submitter. Criteria: ACMG Guidelines, 2015. Collection method: clinical testing. Allele origin: germline.
Comment: This missense variant replaces glycine with arginine at codon 452 of the PMS2 protein. Computational prediction suggests that this variant may not impact protein structure and function. To our knowledge, functional studies have not been reported for this variant. This variant has been reported in an individual affected with breast cancer in the literature (PMID: 35449176). This variant has been identified in 5/251490 chromosomes in the general population by the Genome Aggregation Database (gnomAD). The available evidence is insufficient to determine the role of this variant in disease conclusively. Therefore, this variant is classified as a Variant of Uncertain Significance.

GeneDx
Classification: Uncertain significance. Last evaluated: 2024-02-18. Review status: criteria provided, single submitter. Criteria: GeneDx Variant Classification Process June 2021. Collection method: clinical testing. Allele origin: germline. Affected: yes.
Comment: In silico analysis supports that this missense variant does not alter protein structure/function; Identified in an individual with breast cancer (PMID: 35449176); This variant is associated with the following publications: (PMID: 35449176)

Ambry Genetics
Classification: Likely benign for Hereditary cancer-predisposing syndrome. Last evaluated: 2023-12-06. Review status: criteria provided, single submitter. Criteria: Ambry Variant Classification Scheme 2023. Collection method: clinical testing. Allele origin: germline.

Department of Pathology and Laboratory Medicine, Sinai Health System
Classification: Uncertain significance for Lynch syndrome. Last evaluated: 2020-04-28. Review status: criteria provided, single submitter. Criteria: ACMG Guidelines, 2015. Collection method: clinical testing. Allele origin: germline. Affected: yes.

Mendelics
Classification: Uncertain significance for Lynch syndrome 4. Last evaluated: 2019-05-28. Review status: criteria provided, single submitter. Criteria: Mendelics Assertion Criteria 2017. Collection method: clinical testing. Allele origin: unknown.

Literature cited by the submitters: PubMed 35449176 (cited by Labcorp Genetics (formerly Invitae), Labcorp and Color Diagnostics, LLC DBA Color Health).

NM_000535.7(PMS2):c.1354G>C (p.Gly452Arg)

Gene: PMS2 (PMS1 homolog 2, mismatch repair system component; minus strand). Cytogenetic location: 7p22.1.
Variant type: single nucleotide variant.
Coding change: c.1354G>C on transcript NM_000535.7 (MANE Select); coding-DNA position 1354, G replaced by C.
Protein change: p.Gly452Arg; replaces glycine 452 with arginine.
Molecular consequence: missense variant. On other transcripts: non-coding transcript variant (1).
Genome position (GRCh38, 1-based): chr7:5,987,411, C>G on the plus strand (G>C on the coding strand, the complement: PMS2 is on the minus strand). VCF-style: chr7-5987411-C-G. GRCh37 (hg19) VCF-style: chr7-6027042-C-G.
Other names: c.949G>C, p.Gly317Arg (NM_001322003.2, NM_001322004.2, NM_001322005.2 and 1 more transcripts); c.1198G>C, p.Gly400Arg (NM_001322006.2); c.1036G>C, p.Gly346Arg (NM_001322007.2, NM_001322008.2); c.793G>C, p.Gly265Arg (NM_001322010.2); c.421G>C, p.Gly141Arg (NM_001322011.2, NM_001322012.2); c.781G>C, p.Gly261Arg (NM_001322013.2); c.1354G>C, p.Gly452Arg (NM_001322014.2); c.1045G>C, p.Gly349Arg (NM_001322015.2); short protein forms G452R, G141R, G265R, G346R, G349R, G261R, G317R, G400R.
Identifiers: ClinVar variation 230651 (VCV000230651.23), dbSNP rs569947936, ClinGen allele CA043129.